The following is an entry in ClinVar:

ClinVar aggregate classification (germline): Uncertain significance. Review status: criteria provided, multiple submitters, no conflicts (2 of 4 stars). 2 submissions from 2 submitters: Uncertain significance (2). Last evaluated 2023-10-26.

Conditions:
Fanconi anemia complementation group J. Also called: BRIP1-Related Fanconi Anemia. Identifiers: Orphanet 84, MedGen C1836860, MONDO:0012187, OMIM 609054.
Familial cancer of breast. Also called: BREAST CANCER, FAMILIAL; Hereditary breast cancer; hereditary breast carcinoma. Identifiers: Orphanet 227535, MedGen C0346153, MONDO:0016419, OMIM 114480. Disease mechanism: loss of function.
Hereditary cancer-predisposing syndrome. Also called: Tumor predisposition; Neoplastic Syndromes, Hereditary; Hereditary Cancer Syndrome; Hereditary neoplastic syndrome. Identifiers: Orphanet 140162, MedGen C0027672, MeSH D009386, MONDO:0015356.

Allele frequency attached by ClinVar (database versions not stated): gnomAD exomes below 0.00001; ExAC 0.00001; ESP Exome Variant Server 0.00008.

Submissions (2):

Ambry Genetics
Classification: Uncertain significance for Hereditary cancer-predisposing syndrome. Last evaluated: 2023-10-26. Review status: criteria provided, single submitter. Criteria: Ambry Variant Classification Scheme 2023. Collection method: clinical testing. Allele origin: germline.
Comment: The p.S1075T variant (also known as c.3223T>A), located in coding exon 19 of the BRIP1 gene, results from a T to A substitution at nucleotide position 3223. The serine at codon 1075 is replaced by threonine, an amino acid with similar properties. This amino acid position is not well conserved in available vertebrate species. In addition, this alteration is predicted to be tolerated by in silico analysis. Since supporting evidence is limited at this time, the clinical significance of this alteration remains unclear.

Labcorp Genetics (formerly Invitae), Labcorp
Classification: Uncertain significance for Familial cancer of breast; Fanconi anemia complementation group J. Last evaluated: 2021-03-24. Review status: criteria provided, single submitter. Criteria: Invitae Variant Classification Sherloc (09022015). Collection method: clinical testing. Allele origin: germline.
Comment: This variant is present in population databases (rs368867532, ExAC 0.01%). This sequence change replaces serine with threonine at codon 1075 of the BRIP1 protein (p.Ser1075Thr). The serine residue is weakly conserved and there is a small physicochemical difference between serine and threonine. This variant has not been reported in the literature in individuals with BRIP1-related conditions. ClinVar contains an entry for this variant (Variation ID: 479429). In summary, the available evidence is currently insufficient to determine the role of this variant in disease. Therefore, it has been classified as a Variant of Uncertain Significance. Algorithms developed to predict the effect of missense changes on protein structure and function (SIFT, PolyPhen-2, Align-GVGD) all suggest that this variant is likely to be tolerated, but these predictions have not been confirmed by published functional studies and their clinical significance is uncertain.

NM_032043.3(BRIP1):c.3223T>A (p.Ser1075Thr)

Gene: BRIP1 (BRCA1 interacting DNA helicase 1; minus strand). Cytogenetic location: 17q23.2.
Variant type: single nucleotide variant.
Coding change: c.3223T>A on transcript NM_032043.3 (MANE Select); coding-DNA position 3223, T replaced by A.
Protein change: p.Ser1075Thr; replaces serine 1075 with threonine.
Molecular consequence: missense variant.
Genome position (GRCh38, 1-based): chr17:61,683,823, A>T on the plus strand (T>A on the coding strand, the complement: BRIP1 is on the minus strand). VCF-style: chr17-61683823-A-T. GRCh37 (hg19) VCF-style: chr17-59761184-A-T.
Other names: short protein forms S1075T.
Identifiers: ClinVar variation 479429 (VCV000479429.15), dbSNP rs368867532, ClinGen allele CA8690385.